The following is an entry in ClinVar:

ClinVar aggregate classification (germline): Benign. Review status: criteria provided, multiple submitters, no conflicts (2 of 4 stars). 3 submissions from 3 submitters: Benign (2). 1 of the submissions does not count toward it. Last evaluated 2019-12-31.

Conditions:
DHX34-related disorder. Also called: DHX34-related condition.

Allele frequency attached by ClinVar (database versions not stated): 1000 Genomes Project 0.00539; 1000 Genomes Project 30x 0.00640; gnomAD exomes 0.00941 and 0.01546; ExAC 0.00963; gnomAD 0.00981 and 0.00988; TOPMed 0.01010; ESP Exome Variant Server 0.01099.
gnomAD v4.1: 23,953 of 1,614,030 alleles (1.5%); highest among the groups gnomAD compares: Non-Finnish European, 1.8%; 233 homozygotes.

Submissions (3):

Labcorp Genetics (formerly Invitae), Labcorp
Classification: Benign. Last evaluated: 2019-12-31. Review status: criteria provided, single submitter. Criteria: Invitae Variant Classification Sherloc (09022015). Collection method: clinical testing. Allele origin: germline.

Breakthrough Genomics
Classification: Benign. Review status: criteria provided, single submitter. Criteria: ACMG Guidelines, 2015. Collection method: not provided. Allele origin: germline. Inheritance: Unknown mechanism. Affected: yes.

PreventionGenetics, part of Exact Sciences
Classification: Benign for DHX34-related condition. Last evaluated: 2019-11-11. Review status: no assertion criteria provided. Collection method: clinical testing. Allele origin: germline. Not counted in ClinVar's aggregate classification.
Comment: This variant is classified as benign based on ACMG/AMP sequence variant interpretation guidelines (Richards et al. 2015 PMID: 25741868, with internal and published modifications).

NM_014681.6(DHX34):c.3299-3T>C

Gene: DHX34 (DExH-box helicase 34; plus strand). Cytogenetic location: 19q13.32.
Variant type: single nucleotide variant.
Coding change: c.3299-3T>C on transcript NM_014681.6 (MANE Select); 3 bases into the intron before coding-DNA position 3299, T replaced by C.
Molecular consequence: intron variant.
Genome position (GRCh38, 1-based): chr19:47,381,977, T>C. VCF-style: chr19-47381977-T-C. GRCh37 (hg19) VCF-style: chr19-47885234-T-C.
Identifiers: ClinVar variation 769460 (VCV000769460.7), dbSNP rs113840347, ClinGen allele CA9538912.
Genomic context (GRCh38, chr19:47,381,977, plus strand): 5'-GGGTGCAGGTAGACCTGTGCACTGGAACACGCCCCTCACAGCCTCCTCCTTTTCCTCCCT[T>C]AGGGGCTGAGGAAGCTGCCCTCGAAACCCTCCAGAAGACATCTGTCCTGCAGAGGCCCTA-3'